The following is an entry in ClinVar:

NM_152564.5(VPS13B):c.7106G>A (p.Arg2369Lys)

Gene: VPS13B (vacuolar protein sorting 13 homolog B; plus strand). Cytogenetic location: 8q22.2.
Variant type: single nucleotide variant.
Coding change: c.7106G>A on transcript NM_152564.5 (MANE Select); coding-DNA position 7106, G replaced by A.
Protein change: p.Arg2369Lys; replaces arginine 2369 with lysine.
Molecular consequence: missense variant.
Genome position (GRCh38, 1-based): chr8:99,766,829, G>A. VCF-style: chr8-99766829-G-A. GRCh37 (hg19) VCF-style: chr8-100779057-G-A.
Other names: c.7181G>A, p.Arg2394Lys (NM_017890.5); short protein forms R2394K, R2369K.
Identifiers: ClinVar variation 2105493 (VCV002105493.4), dbSNP rs2491774178, ClinGen allele CA371874066.
Genomic context (GRCh38, chr8:99,766,829, plus strand): 5'-CATAGGTTCCTTGTAGCTTGGAATACTGGGATGAACTCCAGAAGGTTTTTGTTGCATTTA[G>A]AGAATTTAATCTGTCTGAAAGCAAAGTTTGTGAACTGCAGTTGCCGGATATCAATCTCGT-3'
Protein context (NP_689777.3, residues 2359-2379): DELQKVFVAF[Arg2369Lys]EFNLSESKVC

ClinVar aggregate classification (germline): Uncertain significance (1 of 4 stars; one submission).

Conditions:
Cohen syndrome (COH1). Also called: Cutis verticis gyrata, retinitis pigmentosa, and sensorineural deafness; PEPPER SYNDROME. Identifiers: Orphanet 193, MedGen C0265223, MONDO:0008999, OMIM 216550.

Submission:

Labcorp Genetics (formerly Invitae), Labcorp
Classification: Uncertain significance for Cohen syndrome. Last evaluated: 2024-10-21. Review status: criteria provided, single submitter. Criteria: Invitae Variant Classification Sherloc (09022015). Collection method: clinical testing. Allele origin: germline.
Comment: This sequence change replaces arginine, which is basic and polar, with lysine, which is basic and polar, at codon 2394 of the VPS13B protein (p.Arg2394Lys). This variant is not present in population databases (gnomAD no frequency). This variant has not been reported in the literature in individuals affected with VPS13B-related conditions. ClinVar contains an entry for this variant (Variation ID: 2105493). Invitae Evidence Modeling of protein sequence and biophysical properties (such as structural, functional, and spatial information, amino acid conservation, physicochemical variation, residue mobility, and thermodynamic stability) indicates that this missense variant is expected to disrupt VPS13B protein function with a positive predictive value of 80%. In summary, the available evidence is currently insufficient to determine the role of this variant in disease. Therefore, it has been classified as a Variant of Uncertain Significance.